The following is an entry in ClinVar:

NM_017637.6(BNC2):c.403G>A (p.Asp135Asn)

Gene: BNC2 (basonuclin zinc finger protein 2; minus strand). Cytogenetic location: 9p22.3.
Variant type: single nucleotide variant.
Coding change: c.403G>A on transcript NM_017637.6 (MANE Select); coding-DNA position 403, G replaced by A.
Protein change: p.Asp135Asn; replaces aspartic acid 135 with asparagine.
Molecular consequence: missense variant.
Genome position (GRCh38, 1-based): chr9:16,583,013, C>T on the plus strand (G>A on the coding strand, the complement: BNC2 is on the minus strand). VCF-style: chr9-16583013-C-T. GRCh37 (hg19) VCF-style: chr9-16583011-C-T.
Other names: c.277G>A, p.Asp93Asn (NM_001317939.2); c.118G>A, p.Asp40Asn (NM_001317940.2); short protein forms D135N, D93N, D40N.
Identifiers: ClinVar variation 4770745 (VCV004770745.1).

ClinVar aggregate classification (germline): Uncertain significance (1 of 4 stars; one submission).

gnomAD v4.1: 14 of 1,613,884 alleles (0.00087%); highest among the groups gnomAD compares: Non-Finnish European, 0.0012%; no homozygotes.

Submission:

Labcorp Genetics (formerly Invitae), Labcorp
Classification: Uncertain significance. Last evaluated: 2025-12-15. Review status: criteria provided, single submitter. Criteria: Invitae Variant Classification Sherloc (09022015). Collection method: clinical testing. Allele origin: germline.
Comment: This sequence change replaces aspartic acid, which is acidic and polar, with asparagine, which is neutral and polar, at codon 135 of the BNC2 protein (p.Asp135Asn). This variant is not present in population databases (gnomAD no frequency). This variant has not been reported in the literature in individuals affected with BNC2-related conditions. An algorithm developed to predict the effect of missense changes on protein structure and function (PolyPhen-2) suggests that this variant is likely to be disruptive. In summary, the available evidence is currently insufficient to determine the role of this variant in disease. Therefore, it has been classified as a Variant of Uncertain Significance.